The following is an entry in ClinVar:

NM_170707.4(LMNA):c.1157G>C (p.Arg386Thr)

Gene: LMNA (lamin A/C; plus strand). Cytogenetic location: 1q22.
Variant type: single nucleotide variant.
Coding change: c.1157G>C on transcript NM_170707.4 (MANE Select); coding-DNA position 1157, G replaced by C.
Protein change: p.Arg386Thr; replaces arginine 386 with threonine.
Molecular consequence: missense variant.
Genome position (GRCh38, 1-based): chr1:156,136,121, G>C. VCF-style: chr1-156136121-G-C. GRCh37 (hg19) VCF-style: chr1-156105912-G-C.
Other names: c.821G>C, p.Arg274Thr (NM_001257374.3); c.914G>C, p.Arg305Thr (NM_001282624.2); c.1157G>C, p.Arg386Thr (NM_001282625.2, NM_001282626.2, NM_005572.4 and 1 more transcripts); short protein forms R386T, R274T, R305T.
Identifiers: ClinVar variation 264271 (VCV000264271.5), dbSNP rs267607545, ClinGen allele CA10587419.

ClinVar aggregate classification (germline): Pathogenic (1 of 4 stars; one submission).

Conditions:
Cardiovascular phenotype. Identifiers: MedGen CN230736.

Submission:

Ambry Genetics
Classification: Pathogenic for Cardiovascular phenotype. Last evaluated: 2016-02-16. Review status: criteria provided, single submitter. Criteria: Ambry Variant Classification Scheme 2023. Collection method: clinical testing. Allele origin: germline.
Comment: The c.1157G>C pathogenic mutation (also known as p.R386T), located in coding exon 6 of the LMNA gene, results from a G to C substitution at nucleotide position 1157. This change occurs in the last base pair of coding exon 6, which makes it likely to have some effect on normal mRNA splicing. In addition to potential splicing impact, this alteration changes the arginine at codon 386 to threonine, an amino acid with some similar properties. This alteration has been reported in association with an unspecified cardiac phenotype and familial partial lipodystrophy (FPLD) and is located in the emerin binding domain (Carboni N et al. Acta Myol. 2013;32(1):7-17). Other alterations at the same nucleotide position, c.1157G>A (p.R386K) and c.1157G>T (p.R386M), have been reported in association with Emery-Dreifuss muscular dystrophy (EDMD) (Bonne G et al. Ann Neurol. 2000;48(2):170-80; Lassuthova P et al. Pediatr Neurol. 2009;41(2):127-30; Luo YB et al. J Med Genet. 2014;51(4):215-23). Based on the supporting evidence, c.1157G>A is interpreted as a disease-causing mutation.

Literature cited by the submitters: PubMed 10939567; PubMed 19589462; PubMed 23853504; PubMed 24459210.